The following is an entry in ClinVar:

ClinVar aggregate classification (germline): Conflicting classifications of pathogenicity. Review status: criteria provided, conflicting classifications (1 of 4 stars). 3 submissions from 3 submitters: Uncertain significance (2); Likely benign (1). Last evaluated 2025-02-01.

Conditions:
Hereditary cancer-predisposing syndrome. Also called: Tumor predisposition; Hereditary neoplastic syndrome; Hereditary Cancer Syndrome; Neoplastic Syndromes, Hereditary. Identifiers: Orphanet 140162, MedGen C0027672, MeSH D009386, MONDO:0015356.
Hereditary breast ovarian cancer syndrome. Also called: Hereditary breast and ovarian cancer syndrome; BRCA1- and BRCA2-Associated Hereditary Breast and Ovarian Cancer; Hereditary breast and/or ovarian cancer syndrome; Hereditary breast and ovarian cancer syndrome (HBOC); Breast and ovarian cancer; Hereditary breast and ovarian cancer. Identifiers: Orphanet 145, MedGen C0677776, MeSH D061325, MONDO:0003582. Disease mechanism: loss of function.

gnomAD v4.1: 10 of 1,614,024 alleles (0.00062%); highest among the groups gnomAD compares: Non-Finnish European, 0.00085%; no homozygotes.

Submissions (3):

CeGaT Center for Human Genetics Tuebingen
Classification: Uncertain significance. Last evaluated: 2025-02-01. Review status: criteria provided, single submitter. Criteria: CeGaT Center For Human Genetics Tuebingen Variant Classification Criteria Version 2. Collection method: clinical testing. Allele origin: germline. Affected: yes. Observed: 1 variant allele.
Comment: BRCA1: PM2:Supporting, BP4

Labcorp Genetics (formerly Invitae), Labcorp
Classification: Uncertain significance for Hereditary breast ovarian cancer syndrome. Last evaluated: 2023-10-13. Review status: criteria provided, single submitter. Criteria: Invitae Variant Classification Sherloc (09022015). Collection method: clinical testing. Allele origin: germline.
Comment: This sequence change replaces histidine, which is basic and polar, with glutamine, which is neutral and polar, at codon 1545 of the BRCA1 protein (p.His1545Gln). This variant is not present in population databases (gnomAD no frequency). This missense change has been observed in individual(s) with a personal and/or family history of breast cancer (PMID: 21702907). ClinVar contains an entry for this variant (Variation ID: 409336). Advanced modeling of protein sequence and biophysical properties (such as structural, functional, and spatial information, amino acid conservation, physicochemical variation, residue mobility, and thermodynamic stability) performed at Invitae indicates that this missense variant is not expected to disrupt BRCA1 protein function. In summary, the available evidence is currently insufficient to determine the role of this variant in disease. Therefore, it has been classified as a Variant of Uncertain Significance.

Ambry Genetics
Classification: Likely benign for Hereditary cancer-predisposing syndrome. Last evaluated: 2017-12-11. Review status: criteria provided, single submitter. Criteria: Ambry Variant Classification Scheme 2023. Collection method: clinical testing. Allele origin: germline.

Literature cited by the submitters: PubMed 21702907 (cited by Labcorp Genetics (formerly Invitae), Labcorp).

NM_007294.4(BRCA1):c.4635C>G (p.His1545Gln)

Gene: BRCA1 (BRCA1 DNA repair associated; minus strand). Cytogenetic location: 17q21.31.
Variant type: single nucleotide variant.
Coding change: c.4635C>G on transcript NM_007294.4 (MANE Select); coding-DNA position 4635, C replaced by G.
Protein change: p.His1545Gln; replaces histidine 1545 with glutamine.
Molecular consequence: missense variant. On other transcripts: non-coding transcript variant (1).
Genome position (GRCh38, 1-based): chr17:43,074,371, G>C on the plus strand (C>G on the coding strand, the complement: BRCA1 is on the minus strand). VCF-style: chr17-43074371-G-C. GRCh37 (hg19) VCF-style: chr17-41226388-G-C.
Other names: c.4422C>G, p.His1474Gln (NM_001407571.1, NM_001407894.1, NM_001407895.1 and 12 more transcripts); c.4701C>G, p.His1567Gln (NM_001407581.1, NM_001407582.1); c.4698C>G, p.His1566Gln (NM_001407583.1, NM_001407585.1, NM_001407587.1 and 1 more transcripts); c.4695C>G, p.His1565Gln (NM_001407590.1, NM_001407591.1); c.4635C>G, p.His1545Gln (NM_001407593.1, NM_001407594.1, NM_001407596.1 and 8 more transcripts); c.4632C>G, p.His1544Gln (NM_001407616.1, NM_001407617.1, NM_001407618.1 and 17 more transcripts); c.4629C>G, p.His1543Gln (NM_001407635.1, NM_001407636.1, NM_001407637.1 and 14 more transcripts); c.4626C>G, p.His1542Gln (NM_001407644.1, NM_001407645.1); and 68 more; short protein forms H1545Q, H1498Q, H1566Q, H441Q, H1249Q, H1376Q, H1417Q, H1433Q.
Identifiers: ClinVar variation 409336 (VCV000409336.27), dbSNP rs373686790, ClinGen allele CA10592239.
Genomic context (GRCh38, chr17:43,074,371, plus strand): 5'-TACAGCAGATGAAATATTACCTAGATCTTGCCTTGGCAAGTAAGATGTTTCCGTCAAATC[G>C]TGTGGCCCAGACTCTTCCAGCTGTTGCTCCTCCACATCAACAACCTTAATGAGCTCCTCT-3'
Protein context (NP_009225.1, residues 1535-1555): EEQQLEESGP[His1545Gln]DLTETSYLPR